The following is an entry in ClinVar:

ClinVar aggregate classification (germline): Likely benign. Review status: criteria provided, single submitter (1 of 4 stars). 2 submissions from 2 submitters: Likely benign (1). 1 of the submissions does not count toward it. Last evaluated 2024-12-19.

Conditions:
CREBBP-related disorder. Also called: CREBBP-related condition; CREBBP-related disorders.
Rubinstein-Taybi syndrome (RSTS). Identifiers: Orphanet 783, MedGen C0035934, MONDO:0019188.

Allele frequency attached by ClinVar (database versions not stated): gnomAD exomes below 0.00001.
gnomAD v4.1: 2 of 1,613,872 alleles (0.00012%); highest among the groups gnomAD compares: Non-Finnish European, 0.00017%; no homozygotes.

Submissions (2):

Labcorp Genetics (formerly Invitae), Labcorp
Classification: Likely benign for Rubinstein-Taybi syndrome. Last evaluated: 2024-12-19. Review status: criteria provided, single submitter. Criteria: Invitae Variant Classification Sherloc (09022015). Collection method: clinical testing. Allele origin: germline.

PreventionGenetics, part of Exact Sciences
Classification: Likely benign for CREBBP-related condition. Last evaluated: 2021-07-12. Review status: no assertion criteria provided. Collection method: clinical testing. Allele origin: germline. Not counted in ClinVar's aggregate classification.
Comment: This variant is classified as likely benign based on ACMG/AMP sequence variant interpretation guidelines (Richards et al. 2015 PMID: 25741868, with internal and published modifications).

NM_004380.3(CREBBP):c.2448A>G (p.Gln816=)

Gene: CREBBP (CREB binding lysine acetyltransferase; minus strand). Cytogenetic location: 16p13.3.
Variant type: single nucleotide variant.
Coding change: c.2448A>G on transcript NM_004380.3 (MANE Select); coding-DNA position 2448, A replaced by G.
Protein change: p.Gln816=; no amino-acid change (glutamine 816 retained).
Molecular consequence: synonymous variant.
Genome position (GRCh38, 1-based): chr16:3,773,766, T>C on the plus strand (A>G on the coding strand, the complement: CREBBP is on the minus strand). VCF-style: chr16-3773766-T-C. GRCh37 (hg19) VCF-style: chr16-3823767-T-C.
Other names: c.2334A>G, p.Gln778= (NM_001079846.1).
Identifiers: ClinVar variation 3029068 (VCV003029068.4), dbSNP rs760103333, ClinGen allele CA493274411.
Genomic context (GRCh38, chr16:3,773,766, plus strand): 5'-GAATTTTATTTCCTAGGGAGCCACGGTCCCAGTGGGGCACAGTACCTGTGACACGCCTGT[T>C]TGGGCTGGCGGCTGCCCCATGCCCACACTCATCGCCCCGCTGGATGACGGGAACTGGTTC-3'
Protein context (NP_004371.2, residues 806-826): MSVGMGQPPA[Gln816=]TGVSQGQVPG